The following is an entry in ClinVar:

ClinVar aggregate classification (germline): Uncertain significance (1 of 4 stars; one submission).

Conditions:
RASopathy. Also called: Noonan spectrum disorder; rasopathies. Identifiers: Orphanet 536391, MedGen C5555857, MONDO:0021060.

Submission:

Labcorp Genetics (formerly Invitae), Labcorp
Classification: Uncertain significance for RASopathy. Last evaluated: 2025-04-26. Review status: criteria provided, single submitter. Criteria: Invitae Variant Classification Sherloc (09022015). Collection method: clinical testing. Allele origin: germline.
Comment: This sequence change replaces glycine, which is neutral and non-polar, with arginine, which is basic and polar, at codon 91 of the MAP2K1 protein (p.Gly91Arg). This variant is not present in population databases (gnomAD no frequency). This variant has not been reported in the literature in individuals affected with MAP2K1-related conditions. Invitae Evidence Modeling of protein sequence and biophysical properties (such as structural, functional, and spatial information, amino acid conservation, physicochemical variation, residue mobility, and thermodynamic stability) has been performed for this missense variant. However, the output from this modeling did not meet the statistical confidence thresholds required to predict the impact of this variant on MAP2K1 protein function. In summary, the available evidence is currently insufficient to determine the role of this variant in disease. Therefore, it has been classified as a Variant of Uncertain Significance.

NM_002755.4(MAP2K1):c.271G>C (p.Gly91Arg)

Gene: MAP2K1 (mitogen-activated protein kinase kinase 1; plus strand). Cytogenetic location: 15q22.31.
Variant type: single nucleotide variant.
Coding change: c.271G>C on transcript NM_002755.4 (MANE Select); coding-DNA position 271, G replaced by C.
Protein change: p.Gly91Arg; replaces glycine 91 with arginine.
Molecular consequence: missense variant.
Genome position (GRCh38, 1-based): chr15:66,435,217, G>C. VCF-style: chr15-66435217-G-C. GRCh37 (hg19) VCF-style: chr15-66727555-G-C.
Other names: c.205G>C, p.Gly69Arg (NM_001411065.1); short protein forms G69R, G91R.
Identifiers: ClinVar variation 4710020 (VCV004710020.1).
Genomic context (GRCh38, chr15:66,435,217, plus strand): 5'-ATCAGTGAGCTGGGGGCTGGCAATGGCGGTGTGGTGTTCAAGGTCTCCCACAAGCCTTCT[G>C]GCCTGGTCATGGCCAGAAAGGTGAGTTTGCCTTGATTAACAGGTAATTGGATTATTTCTC-3'
Protein context (NP_002746.1, residues 81-101): VVFKVSHKPS[Gly91Arg]LVMARKLIHL